The following is an entry in ClinVar:

NM_016035.5(COQ4):c.417C>A (p.Asp139Glu)

Gene: COQ4 (coenzyme Q4; plus strand). Cytogenetic location: 9q34.11.
Variant type: single nucleotide variant.
Coding change: c.417C>A on transcript NM_016035.5 (MANE Select); coding-DNA position 417, C replaced by A.
Protein change: p.Asp139Glu; replaces aspartic acid 139 with glutamic acid.
Molecular consequence: missense variant. On other transcripts: intron variant (1).
Genome position (GRCh38, 1-based): chr9:128,332,167, C>A. VCF-style: chr9-128332167-C-A. GRCh37 (hg19) VCF-style: chr9-131094446-C-A.
Other names: c.*3-1307C>A (NM_001305942.2); short protein forms D139E.
Identifiers: ClinVar variation 1389597 (VCV001389597.6), dbSNP rs1832424038, ClinGen allele CA375022842.

ClinVar aggregate classification (germline): Uncertain significance (1 of 4 stars; one submission).

Conditions:
Neonatal encephalomyopathy-cardiomyopathy-respiratory distress syndrome. Also called: Coenzyme Q10 deficiency, primary, 7. Identifiers: Orphanet 457185, MedGen C5568562, MONDO:0014562, OMIM 616276.

Submission:

Labcorp Genetics (formerly Invitae), Labcorp
Classification: Uncertain significance for Neonatal encephalomyopathy-cardiomyopathy-respiratory distress syndrome. Last evaluated: 2022-10-17. Review status: criteria provided, single submitter. Criteria: Invitae Variant Classification Sherloc (09022015). Collection method: clinical testing. Allele origin: germline.
Comment: In summary, the available evidence is currently insufficient to determine the role of this variant in disease. Therefore, it has been classified as a Variant of Uncertain Significance. Advanced modeling of protein sequence and biophysical properties (such as structural, functional, and spatial information, amino acid conservation, physicochemical variation, residue mobility, and thermodynamic stability) has been performed at Invitae for this missense variant, however the output from this modeling did not meet the statistical confidence thresholds required to predict the impact of this variant on COQ4 protein function. ClinVar contains an entry for this variant (Variation ID: 1389597). This variant has not been reported in the literature in individuals affected with COQ4-related conditions. This variant is not present in population databases (gnomAD no frequency). This sequence change replaces aspartic acid, which is acidic and polar, with glutamic acid, which is acidic and polar, at codon 139 of the COQ4 protein (p.Asp139Glu).